The following is an entry in ClinVar:

ClinVar aggregate classification (germline): Uncertain significance (1 of 4 stars; one submission).

Conditions:
PISD-related disorder. Also called: PISD-related condition.

gnomAD v4.1: 8 of 1,613,952 alleles (0.0005%); highest among the groups gnomAD compares: Non-Finnish European, 0.00068%; no homozygotes.

Submission:

PreventionGenetics, part of Exact Sciences
Classification: Uncertain significance for PISD-related condition. Last evaluated: 2025-09-02. Review status: criteria provided, single submitter. Criteria: ACMG Guidelines, 2015. Collection method: clinical testing. Allele origin: germline.
Comment: The PISD c.425T>C variant is predicted to result in the amino acid substitution p.Leu142Pro. To our knowledge, this variant has not been reported in the literature. This variant is reported in 0.0018% of alleles in individuals of European (Non-Finnish) descent in gnomAD. At this time, the clinical significance of this variant is uncertain due to the absence of conclusive functional and genetic evidence.

NM_001326411.2(PISD):c.425T>C (p.Leu142Pro)

Gene: PISD (phosphatidylserine decarboxylase; minus strand). Cytogenetic location: 22q12.2.
Variant type: single nucleotide variant.
Coding change: c.425T>C on transcript NM_001326411.2 (MANE Select); coding-DNA position 425, T replaced by C.
Protein change: p.Leu142Pro; replaces leucine 142 with proline.
Molecular consequence: missense variant.
Genome position (GRCh38, 1-based): chr22:31,621,782, A>G on the plus strand (T>C on the coding strand, the complement: PISD is on the minus strand). VCF-style: chr22-31621782-A-G. GRCh37 (hg19) VCF-style: chr22-32017768-A-G.
Other names: c.362T>C, p.Leu121Pro (NM_001326412.1, NM_001326413.2, NM_001326414.2); c.323T>C, p.Leu108Pro (NM_001326415.2, NM_001326416.2, NM_001326417.2 and 3 more transcripts); c.245T>C, p.Leu82Pro (NM_001326418.2, NM_001326420.2); c.425T>C, p.Leu142Pro (NM_001326421.1); short protein forms L121P, L82P, L108P, L142P.
Identifiers: ClinVar variation 4989176 (VCV004989176.1).